The following is an entry in ClinVar:

NM_000138.5(FBN1):c.1174C>A (p.Pro392Thr)

Gene: FBN1 (fibrillin 1; minus strand). Cytogenetic location: 15q21.1.
Variant type: single nucleotide variant.
Coding change: c.1174C>A on transcript NM_000138.5 (MANE Select); coding-DNA position 1174, C replaced by A.
Protein change: p.Pro392Thr; replaces proline 392 with threonine.
Molecular consequence: missense variant.
Genome position (GRCh38, 1-based): chr15:48,516,336, G>T on the plus strand (C>A on the coding strand, the complement: FBN1 is on the minus strand). VCF-style: chr15-48516336-G-T. GRCh37 (hg19) VCF-style: chr15-48808533-G-T.
Other names: c.1174C>A, p.Pro392Thr (NM_001406716.1); short protein forms P392T.
Identifiers: ClinVar variation 3070629 (VCV003070629.1), dbSNP rs749467972, ClinGen allele CA392345688.
Genomic context (GRCh38, chr15:48,516,336, plus strand): 5'-CTGGAGGAATGGGGCCAAGGGGTGGGGGAGGATATTCTGGTCTCCCAGGAATTACCATAG[G>T]AACAGAGCACAGCTTGTTGAAATCCTCTAGAAAAACACAACAAAACAAAACACAACAGCT-3'
Protein context (NP_000129.3, residues 382-402): TEDFNKLCSV[Pro392Thr]MVIPGRPEYP

ClinVar aggregate classification (germline): Uncertain significance (1 of 4 stars; one submission).

Conditions:
Marfan syndrome (MFS). Also called: MARFAN SYNDROME, TYPE I; Marfan syndrome type 1; Marfan's syndrome; Marfan syndrome, classic; FBN1-Related Marfan Syndrome. Identifiers: Orphanet 284963, Orphanet 558, MedGen C0024796, MONDO:0007947, OMIM 154700.

Submission:

All of Us Research Program, National Institutes of Health
Classification: Uncertain significance for Marfan syndrome. Last evaluated: 2023-05-04. Review status: criteria provided, single submitter. Criteria: ACMG Guidelines, 2015. Collection method: clinical testing. Allele origin: germline. Inheritance: Autosomal dominant inheritance. Observed: 2 variant alleles, 2 heterozygotes.
Comment: This missense variant replaces proline with threonine at codon 392 of the FBN1 protein. Computational prediction suggests that this variant may not impact protein structure and function (internally defined REVEL score threshold <= 0.5, PMID: 27666373). To our knowledge, functional studies have not been reported for this variant. This variant has not been reported in individuals affected with FBN1-related disorders in the literature. This variant has not been identified in the general population by the Genome Aggregation Database (gnomAD). The available evidence is insufficient to determine the role of this variant in disease conclusively. Therefore, this variant is classified as a Variant of Uncertain Significance.

This study involves interpretation of variants in research participants for the purpose of population health screening. Participant phenotype was not available at the time of variant classification. Additional details can be found in publication PMID: 35346344, PMCID: PMC8962531